The following is an entry in ClinVar:

NM_144991.3(TSPEAR):c.1870G>A (p.Glu624Lys)

Gene: TSPEAR (thrombospondin type laminin G domain and EAR repeats; minus strand). Cytogenetic location: 21q22.3.
Variant type: single nucleotide variant.
Coding change: c.1870G>A on transcript NM_144991.3 (MANE Select); coding-DNA position 1870, G replaced by A.
Protein change: p.Glu624Lys; replaces glutamic acid 624 with lysine.
Molecular consequence: missense variant.
Genome position (GRCh38, 1-based): chr21:44,499,923, C>T on the plus strand (G>A on the coding strand, the complement: TSPEAR is on the minus strand). VCF-style: chr21-44499923-C-T. GRCh37 (hg19) VCF-style: chr21-45919806-C-T.
Other names: c.1666G>A, p.Glu556Lys (NM_001272037.2); c.1870G>A (NM_144991.2); short protein forms E556K, E624K.
Identifiers: ClinVar variation 2192977 (VCV002192977.5), dbSNP rs587717339, ClinGen allele CA10056279.

ClinVar aggregate classification (germline): Uncertain significance. Review status: criteria provided, multiple submitters, no conflicts (2 of 4 stars). 2 submissions from 2 submitters: Uncertain significance (2). Last evaluated 2024-04-23.

Allele frequency attached by ClinVar (database versions not stated): 1000 Genomes Project 0.00020; 1000 Genomes Project 30x 0.00031.
gnomAD v4.1: 47 of 1,606,506 alleles (0.0029%); highest among the groups gnomAD compares: South Asian, 0.024%; no homozygotes.

Submissions (2):

GeneDx
Classification: Uncertain significance. Last evaluated: 2024-04-23. Review status: criteria provided, single submitter. Criteria: GeneDx Variant Classification Process June 2021. Collection method: clinical testing. Allele origin: germline. Affected: yes.
Comment: In silico analysis indicates that this missense variant does not alter protein structure/function; Has not been previously published as pathogenic or benign to our knowledge

Labcorp Genetics (formerly Invitae), Labcorp
Classification: Uncertain significance. Last evaluated: 2022-02-04. Review status: criteria provided, single submitter. Criteria: Invitae Variant Classification Sherloc (09022015). Collection method: clinical testing. Allele origin: germline.
Comment: Algorithms developed to predict the effect of missense changes on protein structure and function are either unavailable or do not agree on the potential impact of this missense change (SIFT: "Tolerated"; PolyPhen-2: "Probably Damaging"; Align-GVGD: "Class C0"). This variant has not been reported in the literature in individuals affected with TSPEAR-related conditions. This variant is present in population databases (rs587717339, gnomAD 0.02%). This sequence change replaces glutamic acid, which is acidic and polar, with lysine, which is basic and polar, at codon 624 of the TSPEAR protein (p.Glu624Lys). In summary, the available evidence is currently insufficient to determine the role of this variant in disease. Therefore, it has been classified as a Variant of Uncertain Significance.